The following is an entry in ClinVar:

ClinVar aggregate classification (germline): Benign. Review status: criteria provided, multiple submitters, no conflicts (2 of 4 stars). 6 submissions from 6 submitters: Benign (6). Last evaluated 2026-01-28.

Conditions:
Inborn genetic diseases. Identifiers: MedGen C0950123, MeSH D030342.
KBG syndrome (KBGS). Also called: ANKRD11-Related KBG Syndrome. Identifiers: Orphanet 2332, MedGen C0220687, MONDO:0007846, OMIM 148050.

Allele frequency attached by ClinVar (database versions not stated): gnomAD exomes 0.00071 and 0.00522; gnomAD 0.00140 and 0.00181; TOPMed 0.00198; 1000 Genomes Project 0.00938; 1000 Genomes Project 30x 0.01046; ExAC 0.02397.
gnomAD v4.1: 1,487 of 1,471,670 alleles (0.1%); highest among the groups gnomAD compares: East Asian, 2.7%; 49 homozygotes.

Submissions (6):

Labcorp Genetics (formerly Invitae), Labcorp
Classification: Benign for KBG syndrome. Last evaluated: 2026-01-28. Review status: criteria provided, single submitter. Criteria: Invitae Variant Classification Sherloc (09022015). Collection method: clinical testing. Allele origin: germline.

Genome-Nilou Lab
Classification: Benign for KBG syndrome. Last evaluated: 2021-12-05. Review status: criteria provided, single submitter. Criteria: ACMG Guidelines, 2015. Collection method: clinical testing. Allele origin: germline. Affected: no.

Fulgent Genetics
Classification: Benign for KBG syndrome. Last evaluated: 2021-07-07. Review status: criteria provided, single submitter. Criteria: ACMG Guidelines, 2015. Collection method: clinical testing. Allele origin: unknown.

GeneDx
Classification: Benign. Last evaluated: 2020-03-24. Review status: criteria provided, single submitter. Criteria: GeneDx Variant Classification Process June 2021. Collection method: clinical testing. Allele origin: germline. Affected: yes.
Comment: This variant is associated with the following publications: (PMID: 24690944)

Ambry Genetics
Classification: Benign for Inborn genetic diseases. Last evaluated: 2017-05-08. Review status: criteria provided, single submitter. Criteria: Ambry Variant Classification Scheme 2023. Collection method: clinical testing. Allele origin: germline.

Breakthrough Genomics
Classification: Benign. Review status: criteria provided, single submitter. Criteria: ACMG Guidelines, 2015. Collection method: not provided. Allele origin: germline. Inheritance: Autosomal dominant inheritance. Affected: yes.

NM_013275.6(ANKRD11):c.6868C>T (p.Pro2290Ser)

Gene: ANKRD11 (ankyrin repeat domain 11; minus strand). Cytogenetic location: 16q24.3.
Variant type: single nucleotide variant.
Coding change: c.6868C>T on transcript NM_013275.6 (MANE Select); coding-DNA position 6868, C replaced by T.
Protein change: p.Pro2290Ser; replaces proline 2290 with serine.
Molecular consequence: missense variant.
Genome position (GRCh38, 1-based): chr16:89,279,674, G>A on the plus strand (C>T on the coding strand, the complement: ANKRD11 is on the minus strand). VCF-style: chr16-89279674-G-A. GRCh37 (hg19) VCF-style: chr16-89346082-G-A.
Other names: c.6868C>T, p.Pro2290Ser (NM_001256182.2, NM_001256183.2); short protein forms P2290S.
Identifiers: ClinVar variation 589152 (VCV000589152.20), dbSNP rs374668457, ClinGen allele CA8241317.